The following is an entry in ClinVar:

NM_001365999.1(SZT2):c.7775C>T (p.Ser2592Phe)

Gene: SZT2 (SZT2 subunit of KICSTOR complex; plus strand). Cytogenetic location: 1p34.2.
Variant type: single nucleotide variant.
Coding change: c.7775C>T on transcript NM_001365999.1 (MANE Select); coding-DNA position 7775, C replaced by T.
Protein change: p.Ser2592Phe; replaces serine 2592 with phenylalanine.
Molecular consequence: missense variant.
Genome position (GRCh38, 1-based): chr1:43,442,032, C>T. VCF-style: chr1-43442032-C-T. GRCh37 (hg19) VCF-style: chr1-43907703-C-T.
Other names: c.7604C>T, p.Ser2535Phe (NM_015284.4); short protein forms S2592F, S2535F.
Identifiers: ClinVar variation 1041268 (VCV001041268.8), dbSNP rs776220723, ClinGen allele CA810333.

ClinVar aggregate classification (germline): Uncertain significance (1 of 4 stars; one submission).

Allele frequency attached by ClinVar (database versions not stated): gnomAD exomes below 0.00001; ExAC 0.00001.

Submission:

Labcorp Genetics (formerly Invitae), Labcorp
Classification: Uncertain significance. Last evaluated: 2020-04-27. Review status: criteria provided, single submitter. Criteria: Invitae Variant Classification Sherloc (09022015). Collection method: clinical testing. Allele origin: germline.
Comment: In summary, the available evidence is currently insufficient to determine the role of this variant in disease. Therefore, it has been classified as a Variant of Uncertain Significance. Algorithms developed to predict the effect of missense changes on protein structure and function output the following: SIFT: "Tolerated"; PolyPhen-2: "Benign"; Align-GVGD: "Class C0". The phenylalanine amino acid residue is found in multiple mammalian species, suggesting that this missense change does not adversely affect protein function. These predictions have not been confirmed by published functional studies and their clinical significance is uncertain. This variant has not been reported in the literature in individuals with SZT2-related conditions. This variant is present in population databases (rs776220723, ExAC 0.01%). This sequence change replaces serine with phenylalanine at codon 2535 of the SZT2 protein (p.Ser2535Phe). The serine residue is moderately conserved and there is a large physicochemical difference between serine and phenylalanine.